The following is an entry in ClinVar:

ClinVar aggregate classification (germline): Likely benign. Review status: criteria provided, multiple submitters, no conflicts (2 of 4 stars). 2 submissions from 2 submitters: Likely benign (2). Last evaluated 2026-07-07.

Conditions:
Rhabdoid tumor predisposition syndrome 2 (RTPS2). Identifiers: Orphanet 231108, Orphanet 69077, MedGen C2750074, MONDO:0013224, OMIM 613325.

Allele frequency attached by ClinVar (database versions not stated): gnomAD 0.00001.
gnomAD v4.1: 1 of 1,613,982 alleles (0.000062%); highest among the groups gnomAD compares: Non-Finnish European, 0.000085%; no homozygotes.

Submissions (2):

Myriad Genetics, Inc.
Classification: Likely benign for Rhabdoid tumor predisposition syndrome 2. Last evaluated: 2026-07-07. Review status: criteria provided, single submitter. Criteria: Myriad Autosomal Dominant, Autosomal Recessive and X-Linked Classification Criteria (2023). Collection method: clinical testing. Allele origin: unknown.
Comment: This variant is considered likely benign. This variant is intronic and is not expected to impact mRNA splicing.

Labcorp Genetics (formerly Invitae), Labcorp
Classification: Likely benign for Rhabdoid tumor predisposition syndrome 2. Last evaluated: 2024-08-20. Review status: criteria provided, single submitter. Criteria: Invitae Variant Classification Sherloc (09022015). Collection method: clinical testing. Allele origin: germline.

NM_003072.5(SMARCA4):c.2275-14A>G

Gene: SMARCA4 (SWI/SNF related BAF chromatin remodeling complex subunit ATPase 4; plus strand). Cytogenetic location: 19p13.2.
Variant type: single nucleotide variant.
Coding change: c.2275-14A>G on transcript NM_003072.5 (MANE Select); 14 bases into the intron before coding-DNA position 2275, A replaced by G.
Molecular consequence: intron variant.
Genome position (GRCh38, 1-based): chr19:11,012,935, A>G. VCF-style: chr19-11012935-A-G. GRCh37 (hg19) VCF-style: chr19-11123611-A-G.
Other names: c.2275-14A>G (NM_001128844.3, NM_001128849.3, NM_001128847.4 and 5 more transcripts).
Identifiers: ClinVar variation 1662898 (VCV001662898.9), dbSNP rs2088996344, ClinGen allele CA993512017.
Genomic context (GRCh38, chr19:11,012,935, plus strand): 5'-CTCTCTGAAGTGGGAGGACCCTCTGGTGTCCGACCCGGCCTTCAGTCCTGGCGTGGCCGC[A>G]TCTGTCCTTGCAGATCAAAGGTTTGGAGTGGCTGGTGTCCCTGTACAACAACAACCTGAA-3'